The following is an entry in ClinVar:

NM_001849.4(COL6A2):c.1332+272G>A

Gene: COL6A2 (collagen type VI alpha 2 chain; plus strand). Cytogenetic location: 21q22.3.
Variant type: single nucleotide variant.
Coding change: c.1332+272G>A on transcript NM_001849.4 (MANE Select); 272 bases into the intron after coding-DNA position 1332, G replaced by A.
Molecular consequence: intron variant.
Genome position (GRCh38, 1-based): chr21:46,120,122, G>A. VCF-style: chr21-46120122-G-A. GRCh37 (hg19) VCF-style: chr21-47540036-G-A.
Other names: c.1332+272G>A (NM_058175.3, NM_058174.3).
Identifiers: ClinVar variation 672468 (VCV000672468.1), dbSNP rs200878857, ClinGen allele CA321966318.

ClinVar aggregate classification (germline): Likely benign (1 of 4 stars; one submission).

Allele frequency attached by ClinVar (database versions not stated): 1000 Genomes Project 0.00140; gnomAD 0.02153 and 0.02233.
gnomAD v4.1: 345 of 16,032 alleles (2.2%); highest among the groups gnomAD compares: East Asian, 3.1%; 5 homozygotes.

Submission:

GeneDx
Classification: Likely benign. Last evaluated: 2018-06-14. Review status: criteria provided, single submitter. Criteria: GeneDx Variant Classification (06012015). Collection method: clinical testing. Allele origin: germline. Affected: yes.
Comment: This variant is considered likely benign or benign based on one or more of the following criteria: it is a conservative change, it occurs at a poorly conserved position in the protein, it is predicted to be benign by multiple in silico algorithms, and/or has population frequency not consistent with disease.